The following is an entry in ClinVar:

ClinVar aggregate classification (germline): Uncertain significance (1 of 4 stars; one submission).

Allele frequency attached by ClinVar (database versions not stated): gnomAD exomes below 0.00001.
gnomAD v4.1: 1 of 1,614,162 alleles (0.000062%); highest among the groups gnomAD compares: South Asian, 0.0011%; no homozygotes.

Submission:

Labcorp Genetics (formerly Invitae), Labcorp
Classification: Uncertain significance. Last evaluated: 2024-01-02. Review status: criteria provided, single submitter. Criteria: Invitae Variant Classification Sherloc (09022015). Collection method: clinical testing. Allele origin: germline.
Comment: This sequence change replaces aspartic acid, which is acidic and polar, with tyrosine, which is neutral and polar, at codon 47 of the CLCN6 protein (p.Asp47Tyr). This variant is not present in population databases (gnomAD no frequency). This variant has not been reported in the literature in individuals affected with CLCN6-related conditions. ClinVar contains an entry for this variant (Variation ID: 2057740). An algorithm developed to predict the effect of missense changes on protein structure and function (PolyPhen-2) suggests that this variant is likely to be disruptive. In summary, the available evidence is currently insufficient to determine the role of this variant in disease. Therefore, it has been classified as a Variant of Uncertain Significance.

NM_001286.5(CLCN6):c.139G>T (p.Asp47Tyr)

Gene: CLCN6 (chloride voltage-gated channel 6; plus strand). Cytogenetic location: 1p36.22.
Variant type: single nucleotide variant.
Coding change: c.139G>T on transcript NM_001286.5 (MANE Select); coding-DNA position 139, G replaced by T.
Protein change: p.Asp47Tyr; replaces aspartic acid 47 with tyrosine.
Molecular consequence: missense variant. On other transcripts: non-coding transcript variant (1).
Genome position (GRCh38, 1-based): chr1:11,807,182, G>T. VCF-style: chr1-11807182-G-T. GRCh37 (hg19) VCF-style: chr1-11867239-G-T.
Other names: c.139G>T, p.Asp47Tyr (NM_001256959.2); short protein forms D47Y.
Identifiers: ClinVar variation 2057740 (VCV002057740.4), dbSNP rs2523024111, ClinGen allele CA338424497.